The following is an entry in ClinVar:

ClinVar aggregate classification (germline): Uncertain significance (1 of 4 stars; one submission).

Conditions:
Tuberous sclerosis 2 (TSC2). Identifiers: Orphanet 805, MedGen C1860707, MONDO:0013199, OMIM 613254.

Submission:

Labcorp Genetics (formerly Invitae), Labcorp
Classification: Uncertain significance for Tuberous sclerosis 2. Last evaluated: 2019-03-28. Review status: criteria provided, single submitter. Criteria: Invitae Variant Classification Sherloc (09022015). Collection method: clinical testing. Allele origin: germline.
Comment: In summary, the available evidence is currently insufficient to determine the role of this variant in disease. Therefore, it has been classified as a Variant of Uncertain Significance. Loss-of-function variants in TSC2 are known to be pathogenic (PMID: 10205261, 17304050). However, exon 26 (sometimes referred to as exon 25 in the literature) has been shown to undergo alternative splicing and results in transcripts lacking exon 26 in many adult human tissues (PMID: 26703369). Algorithms developed to predict the effect of sequence changes on RNA splicing suggest that this variant may disrupt the consensus splice site, but this prediction has not been confirmed by published transcriptional studies. This variant has not been reported in the literature in individuals with TSC2-related conditions. This variant is not present in population databases (ExAC no frequency). This sequence change affects a donor splice site in intron 26 of the TSC2 gene.

Literature cited by the submitters: PubMed 10205261; PubMed 17304050; PubMed 26703369.

NM_000548.5(TSC2):c.2966+1G>C

Gene: TSC2 (TSC complex subunit 2; plus strand). Cytogenetic location: 16p13.3.
Variant type: single nucleotide variant.
Coding change: c.2966+1G>C on transcript NM_000548.5 (MANE Select); the canonical splice donor site of the intron after coding-DNA position 2966, G replaced by C.
Molecular consequence: splice donor variant. On other transcripts: intron variant (31).
Genome position (GRCh38, 1-based): chr16:2,077,727, G>C. VCF-style: chr16-2077727-G-C. GRCh37 (hg19) VCF-style: chr16-2127728-G-C.
Other names: c.2837+1142G>C (NM_001370404.1, NM_001077183.3, NM_021055.3 and 3 more transcripts); c.1493+1142G>C (NM_001406694.1, NM_001406695.1, NM_001406696.1 and 5 more transcripts); c.2825+1142G>C (NM_001406671.1, NM_001406673.1); c.2375+1142G>C (NM_001406681.1); c.2855+1G>C (NM_001406670.1); c.2726+1142G>C (NM_001318827.2, NM_001406678.1); c.2366+1G>C (NM_001406682.1, NM_001406684.1, NM_001406680.1 and 1 more transcripts); c.2237+1142G>C (NM_001406685.1, NM_001318831.2, NM_001406688.1 and 2 more transcripts); and 8 more.
Identifiers: ClinVar variation 944050 (VCV000944050.10), dbSNP rs2089600815, ClinGen allele CA394281625.